The following is an entry in ClinVar:

ClinVar aggregate classification (germline): Conflicting classifications of pathogenicity. Review status: criteria provided, conflicting classifications (1 of 4 stars). 4 submissions from 4 submitters: Likely pathogenic (3); Uncertain significance (1). Last evaluated 2026-04-14.

Conditions:
ABCB4-related disorder. Also called: ABCB4-related disorders; ABCB4-related condition.
Low phospholipid associated cholelithiasis (GBD1). Also called: Gallstone cholecystitis; Gallbladder disease 1. Identifiers: Orphanet 69663, MedGen C2609268, MONDO:0010939, OMIM 600803.
Familial intrahepatic cholestasis. Identifiers: Orphanet 284385, MedGen CN296401, MONDO:0017290.
Progressive familial intrahepatic cholestasis type 3. Also called: MDR3 DEFICIENCY; Low Gamma-GT Familial Intrahepatic Cholestasis. Identifiers: Orphanet 79305, MedGen C1865643, MONDO:0011214, OMIM 602347.

Allele frequency attached by ClinVar (database versions not stated): gnomAD exomes below 0.00001.
gnomAD v4.1: 3 of 1,614,136 alleles (0.00019%); highest among the groups gnomAD compares: Non-Finnish European, 0.00025%; no homozygotes.

Submissions (4):

Genomenon, Inc
Classification: Likely pathogenic for Familial intrahepatic cholestasis; Low phospholipid associated cholelithiasis. Last evaluated: 2026-04-14. Review status: criteria provided, single submitter. Criteria: Genomenon Sequence Variant Interpretation Standards - Updated. Collection method: curation. Allele origin: germline. Affected: yes.
Comment: ABCB4 p.Arg545His (c.1634G>A) is a missense variant that changes the amino acid at residue 545 from Arginine to Histidine. This variant has been observed in at least one proband with an ABCB4-related disorder (PMID:32376413;28733223;26796082;23533021). At least one functional study has demonstrated a substantial alteration in protein function relative to the wild-type (PMID:33650203). It is absent or not present at a significant frequency in gnomAD. In silico models predict that this variant is possibly or probably damaging. In conclusion, we classify ABCB4 p.Arg545His (c.1634G>A) as a likely pathogenic variant.

PreventionGenetics, part of Exact Sciences
Classification: Likely pathogenic for ABCB4-related condition. Last evaluated: 2025-12-15. Review status: criteria provided, single submitter. Criteria: ACMG Guidelines, 2015. Collection method: clinical testing. Allele origin: germline.
Comment: The ABCB4 c.1634G>A variant is predicted to result in the amino acid substitution p.Arg545His. This variant has been reported in the heterozygous, compound heterozygous, and homozygous states in patients with low phospholipid associated cholelithiasis, intrahepatic cholestasis of pregnancy, or progressive familial intrahepatic cholestasis (Poupon et al 2013. PubMed ID: 23533021; Wang et al. 2016. PubMed ID: 26796082; Dröge et al. 2017. PubMed ID: 28733223). Of note, other missense variants affecting the same amino acid (p.Arg545Gly, p.Arg545Cys) have also been reported to be pathogenic for cholestasis (HGMD Database). This variant has not been reported in a large population database, indicating this variant is rare. Taken together, this variant is interpreted as likely pathogenic.

Women's Health and Genetics/Laboratory Corporation of America, LabCorp
Classification: Uncertain significance. Last evaluated: 2025-07-02. Review status: criteria provided, single submitter. Criteria: LabCorp Variant Classification Summary - May 2015. Collection method: clinical testing. Allele origin: germline.
Comment: Variant summary: ABCB4 c.1634G>A (p.Arg545His) results in a non-conservative amino acid change in the encoded protein sequence. Algorithms developed to predict the effect of missense changes on protein structure and function all suggest that this variant is likely to be disruptive. The variant was absent in 251288 control chromosomes. c.1634G>A has been observed at a heterozygous state in two individuals from a family affected with features of Cholestasis, Intrahepatic, Of Pregnancy, 3 (Wang_2016), and has been mentioned, without details, in individual(s) with low-phospholipid-associated cholelithiasis syndrome (Poupon_2013, Droge_2017). These data indicate that the variant may be associated with disease. To our knowledge, no experimental evidence demonstrating an impact on protein function has been reported. The following publications have been ascertained in the context of this evaluation (PMID: 28733223, 23533021, 26796082). ClinVar contains an entry for this variant (Variation ID: 2687819). Based on the evidence outlined above, the variant was classified as VUS-possibly pathogenic.

Rolfs Rare Disease Consulting, Rolfs Consulting Und Verwaltungs GmbH
Classification: Likely pathogenic for Progressive familial intrahepatic cholestasis type 3. Last evaluated: 2021-01-01. Review status: criteria provided, single submitter. Criteria: ACMG Guidelines, 2015. Collection method: clinical testing. Allele origin: germline. Affected: yes.

Literature cited by the submitters: PubMed 32376413 (cited by Genomenon, Inc); PubMed 28733223 (cited by Genomenon, Inc and Women's Health and Genetics/Laboratory Corporation of America, LabCorp); PubMed 26796082 (cited by Genomenon, Inc and Women's Health and Genetics/Laboratory Corporation of America, LabCorp); PubMed 23533021 (cited by Genomenon, Inc and Women's Health and Genetics/Laboratory Corporation of America, LabCorp); PubMed 33650203 (cited by Genomenon, Inc).

NM_000443.4(ABCB4):c.1634G>A (p.Arg545His)

Gene: ABCB4 (ATP binding cassette subfamily B member 4; minus strand). Cytogenetic location: 7q21.12.
Variant type: single nucleotide variant.
Coding change: c.1634G>A on transcript NM_000443.4 (MANE Select); coding-DNA position 1634, G replaced by A.
Protein change: p.Arg545His; replaces arginine 545 with histidine.
Molecular consequence: missense variant.
Genome position (GRCh38, 1-based): chr7:87,439,764, C>T on the plus strand (G>A on the coding strand, the complement: ABCB4 is on the minus strand). VCF-style: chr7-87439764-C-T. GRCh37 (hg19) VCF-style: chr7-87069080-C-T.
Other names: c.1634G>A (NM_000443.3); c.1634G>A, p.Arg545His (NM_018849.3, NM_018850.3); short protein forms R545H.
Identifiers: ClinVar variation 2687819 (VCV002687819.5), dbSNP rs2546828022, ClinGen allele CA368038598.
Genomic context (GRCh38, chr7:87,439,764, plus strand): 5'-GTGTCCAATGCTGACGTGGCCTCATCCAGCAGAAGGATCTTGGGGTTGCGAACCAGGGCA[C>T]GTGCAATGGCGATCCTCTGCTTCTGCCCACCACTCAGCTGGGCCCCTCTCTCTCCAACCA-3'
Protein context (NP_000434.1, residues 535-555): GGQKQRIAIA[Arg545His]ALVRNPKILL